The following is an entry in ClinVar:

NM_005802.5(TOPORS):c.24G>T (p.Gly8=)

Gene: TOPORS (TOP1 binding arginine/serine rich protein, E3 ubiquitin ligase; minus strand). Cytogenetic location: 9p21.1.
Variant type: single nucleotide variant.
Coding change: c.24G>T on transcript NM_005802.5 (MANE Select); coding-DNA position 24, G replaced by T.
Protein change: p.Gly8=; no amino-acid change (glycine 8 retained).
Molecular consequence: synonymous variant. On other transcripts: intron variant (1).
Genome position (GRCh38, 1-based): chr9:32,550,948, C>A on the plus strand (G>T on the coding strand, the complement: TOPORS is on the minus strand). VCF-style: chr9-32550948-C-A. GRCh37 (hg19) VCF-style: chr9-32550946-C-A.
Other names: c.3+1486G>T (NM_001195622.2).
Identifiers: ClinVar variation 2659139 (VCV002659139.24), dbSNP rs1412023992, ClinGen allele CA464295366.

ClinVar aggregate classification (germline): Likely benign (1 of 4 stars; one submission).

Allele frequency attached by ClinVar (database versions not stated): gnomAD exomes below 0.00001; gnomAD 0.00001.

Submission:

CeGaT Center for Human Genetics Tuebingen
Classification: Likely benign. Last evaluated: 2022-06-01. Review status: criteria provided, single submitter. Criteria: CeGaT Center For Human Genetics Tuebingen Variant Classification Criteria Version 2. Collection method: clinical testing. Allele origin: germline. Affected: yes. Observed: 1 variant allele.
Comment: TOPORS: BP4, BP7